The following is an entry in ClinVar:

NM_000518.5(HBB):c.316-148G>C

Genes: HBB (hemoglobin subunit beta; minus strand), LOC107133510 (origin of replication at HBB; plus strand), LOC110006319 (beta-globin gene 3' regulatory region; plus strand). Cytogenetic location: 11p15.4.
Variant type: single nucleotide variant.
Coding change: c.316-148G>C on transcript NM_000518.5 (MANE Select); 148 bases into the intron before coding-DNA position 316, G replaced by C.
Molecular consequence: intron variant.
Genome position (GRCh38, 1-based): chr11:5,225,874, C>G on the plus strand (G>C on the coding strand, the complement: HBB is on the minus strand). VCF-style: chr11-5225874-C-G. GRCh37 (hg19) VCF-style: chr11-5247104-C-G.
Identifiers: ClinVar variation 1125630 (VCV001125630.13), dbSNP rs1847536038, ClinGen allele CA1949565817.

ClinVar aggregate classification (germline): Conflicting classifications of pathogenicity. Review status: criteria provided, conflicting classifications (1 of 4 stars). 3 submissions from 3 submitters: Uncertain significance (1); Likely benign (2). Last evaluated 2024-12-18.

Allele frequency attached by ClinVar (database versions not stated): TOPMed below 0.00001; gnomAD exomes 0.00002.
gnomAD v4.1: 11 of 748,542 alleles (0.0015%); highest among the groups gnomAD compares: Non-Finnish European, 0.0025%; no homozygotes.

Submissions (3):

Women's Health and Genetics/Laboratory Corporation of America, LabCorp
Classification: Likely benign. Last evaluated: 2024-12-18. Review status: criteria provided, single submitter. Criteria: LabCorp Variant Classification Summary - May 2015. Collection method: clinical testing. Allele origin: germline.

Quest Diagnostics Nichols Institute San Juan Capistrano
Classification: Uncertain significance. Last evaluated: 2023-11-10. Review status: criteria provided, single submitter. Criteria: Quest Diagnostics criteria. Collection method: clinical testing. Allele origin: unknown.
Comment: The HBB c.316-148G>C variant has not been reported in individuals with HBB-related conditions in the published literature. It also has not been reported in large, multi-ethnic general populations (Genome Aggregation Database). Analysis of this variant using software algorithms for the prediction of the effect of nucleotide changes on splicing yielded predictions that this variant does not affect HBB mRNA splicing. Based on the available information, we are unable to determine the clinical significance of this variant.

Labcorp Genetics (formerly Invitae), Labcorp
Classification: Likely benign. Last evaluated: 2023-06-14. Review status: criteria provided, single submitter. Criteria: Invitae Variant Classification Sherloc (09022015). Collection method: clinical testing. Allele origin: germline.